The following is an entry in ClinVar:

ClinVar aggregate classification (germline): Pathogenic. Review status: criteria provided, multiple submitters, no conflicts (2 of 4 stars). 7 submissions from 7 submitters: Pathogenic (6). 1 of the submissions does not count toward it. Last evaluated 2025-05-10.

Conditions:
Argininosuccinate lyase deficiency. Also called: ARGININOSUCCINIC ACID LYASE DEFICIENCY; ASL DEFICIENCY; Argininosuccinic aciduria. Identifiers: Orphanet 23, MedGen C0268547, MONDO:0008815, OMIM 207900, HP:0025630.

Submissions (7):

Natera, Inc.
Classification: Pathogenic for Argininosuccinate lyase deficiency. Last evaluated: 2025-05-10. Review status: criteria provided, single submitter. Criteria: Natera Variant Classification Schema (03/2026). Collection method: clinical testing. Allele origin: germline.
Comment: The c.631_647delGTGGACCGAGAGCTGCT variant in ASL is a frameshift variant predicted to shift the reading frame beginning at codon 211 and leads to a stop codon 18 codons downstream. This variant is expected to result in nonsense mediated decay, truncation, or a dysfunctional protein product. This variant is rare in the general population with a frequency below the threshold expected for the associated phenotype(s). This variant has been observed in one or more individuals affected with the associated recessive disease, as either homozygous or compound heterozygous with a second variant (PMID: 33611823). Given the available evidence, this variant is classified as Pathogenic.

Women's Health and Genetics/Laboratory Corporation of America, LabCorp
Classification: Pathogenic for Argininosuccinate lyase deficiency. Last evaluated: 2024-11-13. Review status: criteria provided, single submitter. Criteria: LabCorp Variant Classification Summary - May 2015. Collection method: clinical testing. Allele origin: germline.
Comment: Variant summary: ASL c.631_647del17 (p.Val211ProfsX18), also known as c.630_646del, results in a premature termination codon, predicted to cause a truncation of the encoded protein or absence of the protein due to nonsense mediated decay, which are commonly known mechanisms for disease. The variant was absent in 245240 control chromosomes. c.631_647del17 has been reported in the literature in the compound heterozygous state in at least 1 individual affected with Argininosuccinic Aciduria (example, Liu_2021). The following publication has been ascertained in the context of this evaluation (PMID: 33611823). ClinVar contains an entry for this variant (Variation ID: 552393). Based on the evidence outlined above, the variant was classified as pathogenic.

Fulgent Genetics
Classification: Pathogenic for Argininosuccinate lyase deficiency. Last evaluated: 2024-04-04. Review status: criteria provided, single submitter. Criteria: ACMG Guidelines, 2015. Collection method: clinical testing. Allele origin: germline.

Labcorp Genetics (formerly Invitae), Labcorp
Classification: Pathogenic for Argininosuccinate lyase deficiency. Last evaluated: 2023-08-04. Review status: criteria provided, single submitter. Criteria: Invitae Variant Classification Sherloc (09022015). Collection method: clinical testing. Allele origin: germline.
Comment: For these reasons, this variant has been classified as Pathogenic. Algorithms developed to predict the effect of sequence changes on RNA splicing suggest that this variant may disrupt the consensus splice site. ClinVar contains an entry for this variant (Variation ID: 552393). This variant is also known as c.630_646del. This premature translational stop signal has been observed in individual(s) with argininosuccinic aciduria (PMID: 33611823). This variant is not present in population databases (gnomAD no frequency). This sequence change creates a premature translational stop signal (p.Val211Profs*18) in the ASL gene. It is expected to result in an absent or disrupted protein product. Loss-of-function variants in ASL are known to be pathogenic (PMID: 2263616, 24166829).

Baylor Genetics
Classification: Pathogenic for Argininosuccinate lyase deficiency. Last evaluated: 2023-07-26. Review status: criteria provided, single submitter. Criteria: ACMG Guidelines, 2015. Collection method: clinical testing. Allele origin: unknown.

Juno Genomics, Hangzhou Juno Genomics, Inc
Classification: Pathogenic for Argininosuccinate lyase deficiency. Review status: criteria provided, single submitter. Criteria: ACMG Guidelines, 2015. Collection method: clinical testing. Allele origin: germline.
Comment: Absent from controls (or at extremely low frequency if recessive) in Genome Aggregation Database.;Null variant in a gene where loss of function (LOF) is a known mechanism of disease.;For recessive disorders, detected in trans with a pathogenic variant.

Counsyl
Classification: Likely pathogenic for Argininosuccinate lyase deficiency. Last evaluated: 2017-06-19. Review status: no assertion criteria provided. Collection method: clinical testing. Allele origin: unknown. Not counted in ClinVar's aggregate classification.

Literature cited by the submitters: PubMed 33611823 (cited by 3 submitters); PubMed 2263616 (cited by Labcorp Genetics (formerly Invitae), Labcorp); PubMed 24166829 (cited by Labcorp Genetics (formerly Invitae), Labcorp).

NM_000048.4(ASL):c.631_647del (p.Val211fs)

Gene: ASL (argininosuccinate lyase; plus strand). Cytogenetic location: 7q11.21.
Variant type: Deletion.
Coding change: c.631_647del on transcript NM_000048.4 (MANE Select); coding-DNA positions 631 to 647, 17 bases deleted (GTGGACCGAGAGCTGCT).
Protein change: p.Val211fs; shifts the reading frame from valine 211.
Molecular consequence: frameshift variant.
Genome position (GRCh38, 1-based): chr7:66,087,362-66,087,378, GTGGACCGAGAGCTGCT deleted; deleting any 17 consecutive bases within chr7:66,087,361-66,087,378 gives the same sequence; the c. name uses the placement nearest the transcript's 3' end. VCF-style (leftmost placement, unchanged base first): chr7-66087360-GTGTGGACCGAGAGCTGC-G. GRCh37 (hg19) VCF-style: chr7-65552347-GTGTGGACCGAGAGCTGC-G.
Other names: c.631_647del17 (NM_000048.4); c.631_647delGTGGACCGAGAGCTGCT (NM_000048.3); c.631_647del, p.Val211fs (NM_001024943.2, NM_001024944.2); c.553_569del, p.Val185fs (NM_001024946.2); short protein forms V185fs, V211fs.
Identifiers: ClinVar variation 552393 (VCV000552393.13), dbSNP rs1554327181, ClinGen allele CA658821787.